The following is an entry in ClinVar:

ClinVar aggregate classification (germline): Uncertain significance (1 of 4 stars; one submission).

Conditions:
Dyskeratosis congenita, autosomal dominant 1 (DKCA1). Also called: Dyskeratosis congenita Scoggins type. Identifiers: Orphanet 1775, MedGen C4551974, MONDO:0007485, OMIM 127550. Inheritance: Variable.

Submission:

Labcorp Genetics (formerly Invitae), Labcorp
Classification: Uncertain significance for Dyskeratosis congenita, autosomal dominant 1. Last evaluated: 2020-08-19. Review status: criteria provided, single submitter. Criteria: Invitae Variant Classification Sherloc (09022015). Collection method: clinical testing. Allele origin: germline.
Comment: This variant occurs in the TERC gene, which encodes an RNA molecule that does not result in a protein product. This variant is not present in population databases (ExAC no frequency). This variant has not been reported in the literature in individuals with TERC-related conditions. ClinVar contains an entry for this variant (Variation ID: 952487). This variant is located within the template/pseudoknot domain of the TERC RNA component, which is required for RNA or RNP stability (PMID: 15082312, 21844345). A significant number of disease associated TERC variants are found in this region (PMID: 21931702). In summary, the available evidence is currently insufficient to determine the role of this variant in disease. Therefore, it has been classified as a Variant of Uncertain Significance.

Literature cited by the submitters: PubMed 15082312; PubMed 21844345; PubMed 21931702.

NC_000003.12:g.169764895G>T

Genes: TERC (telomerase RNA component; minus strand), LOC110806306 (telomerase RNA component (TERC) promoter; plus strand). Cytogenetic location: 3q26.2.
Variant type: single nucleotide variant.
Genome position: GRCh38 VCF-style: chr3-169764895-G-T. GRCh37 (hg19) VCF-style: chr3-169482683-G-T.
Identifiers: ClinVar variation 952487 (VCV000952487.10), dbSNP rs1303286129, ClinGen allele CA436715566.